The following is an entry in ClinVar:

ClinVar aggregate classification (germline): Uncertain significance (1 of 4 stars; one submission).

Submission:

Labcorp Genetics (formerly Invitae), Labcorp
Classification: Uncertain significance. Last evaluated: 2022-10-08. Review status: criteria provided, single submitter. Criteria: Invitae Variant Classification Sherloc (09022015). Collection method: clinical testing. Allele origin: germline.
Comment: In summary, the available evidence is currently insufficient to determine the role of this variant in disease. Therefore, it has been classified as a Variant of Uncertain Significance. Advanced modeling of protein sequence and biophysical properties (such as structural, functional, and spatial information, amino acid conservation, physicochemical variation, residue mobility, and thermodynamic stability) performed at Invitae indicates that this missense variant is not expected to disrupt SEC61A1 protein function. This variant has not been reported in the literature in individuals affected with SEC61A1-related conditions. This variant is not present in population databases (gnomAD no frequency). This sequence change replaces valine, which is neutral and non-polar, with leucine, which is neutral and non-polar, at codon 157 of the SEC61A1 protein (p.Val157Leu).

NM_013336.4(SEC61A1):c.469G>C (p.Val157Leu)

Gene: SEC61A1 (SEC61 translocon subunit alpha 1; plus strand). Cytogenetic location: 3q21.3.
Variant type: single nucleotide variant.
Coding change: c.469G>C on transcript NM_013336.4 (MANE Select); coding-DNA position 469, G replaced by C.
Protein change: p.Val157Leu; replaces valine 157 with leucine.
Molecular consequence: missense variant.
Genome position (GRCh38, 1-based): chr3:128,060,514, G>C. VCF-style: chr3-128060514-G-C. GRCh37 (hg19) VCF-style: chr3-127779357-G-C.
Other names: c.487G>C, p.Val163Leu (NM_001400328.1); c.310G>C, p.Val104Leu (NM_001400329.1); short protein forms V157L, V104L, V163L.
Identifiers: ClinVar variation 1976607 (VCV001976607.5), dbSNP rs2473026181, ClinGen allele CA354394683.